The following is an entry in ClinVar:

ClinVar aggregate classification (germline): Pathogenic (1 of 4 stars; one submission).

Conditions:
Hereditary breast ovarian cancer syndrome. Also called: BRCA1- and BRCA2-Associated Hereditary Breast and Ovarian Cancer; Hereditary breast and ovarian cancer; Hereditary breast and ovarian cancer syndrome (HBOC); Hereditary breast and/or ovarian cancer syndrome; Hereditary breast and ovarian cancer syndrome; Breast and ovarian cancer. Identifiers: Orphanet 145, MedGen C0677776, MeSH D061325, MONDO:0003582. Disease mechanism: loss of function.

Submission:

GeneKor MSA
Classification: Pathogenic for Hereditary breast ovarian cancer syndrome. Last evaluated: 2025-06-17. Review status: criteria provided, single submitter. Criteria: ACMG Guidelines, 2015. Collection method: clinical testing. Allele origin: germline. Affected: no.
Comment: This variant is a single base deletion in exon 11 of the BRCA2 mRNA c.(6141del), replacing Tyrosine with a premature termination stop signal at codon 2047, p.(Tyr2047*). This is expected to result in an absent or disrupted protein product. Truncating variants in the BRCA2 gene are known to be pathogenic (PMID:20104584). This variant is not present in population databases and has not been reported in individuals affected with hereditary cancer syndromes. ClinVar contains no entries for this variant. Based on the classification criteria set by the ACMG and AMP (PMID:25741868), this variant has been classified as pathogenic.

Literature cited by the submitters: PubMed 20104584.

NM_000059.4(BRCA2):c.6141del (p.Ser2046_Tyr2047insTer)

Gene: BRCA2 (BRCA2 DNA repair associated; plus strand). Cytogenetic location: 13q13.1.
Variant type: Deletion.
Coding change: c.6141del on transcript NM_000059.4 (MANE Select); coding-DNA position 6141, one base deleted (T; older notation c.6141delT).
Protein change: p.Ser2046_Tyr2047insTer.
Molecular consequence: nonsense. On other transcripts: non-coding transcript variant (1), intron variant (2).
Genome position (GRCh38, 1-based): chr13:32,340,496, T deleted. VCF-style (leftmost placement, unchanged base first): chr13-32340495-AT-A. GRCh37 (hg19) VCF-style: chr13-32914632-AT-A.
Other names: c.6141del, p.Ser2046_Tyr2047insTer (NM_001406719.1, NM_001406720.1, NM_001432077.1); c.1910-4062del (NM_001406721.1); c.425-4062del (NM_001406722.1).
Identifiers: ClinVar variation 4077016 (VCV004077016.1).